The following is an entry in ClinVar:

ClinVar aggregate classification (germline): Uncertain significance. Review status: criteria provided, multiple submitters, no conflicts (2 of 4 stars). 3 submissions from 3 submitters: Uncertain significance (3). Last evaluated 2024-04-23.

Conditions:
Cardiovascular phenotype. Identifiers: MedGen CN230736.

Allele frequency attached by ClinVar (database versions not stated): gnomAD exomes below 0.00001; gnomAD 0.00001; TOPMed 0.00001.
gnomAD v4.1: 9 of 1,613,714 alleles (0.00056%); highest among the groups gnomAD compares: Non-Finnish European, 0.00068%; no homozygotes.

Submissions (3):

Blueprint Genetics
Classification: Uncertain significance. Last evaluated: 2024-04-23. Review status: criteria provided, single submitter. Criteria: ACMG Guidelines, 2015. Collection method: clinical testing. Allele origin: germline.

GeneDx
Classification: Uncertain significance. Last evaluated: 2023-11-18. Review status: criteria provided, single submitter. Criteria: GeneDx Variant Classification Process June 2021. Collection method: clinical testing. Allele origin: germline. Affected: yes.
Comment: Not observed at significant frequency in large population cohorts (gnomAD); In silico analysis supports that this missense variant does not alter protein structure/function; Has not been previously published as pathogenic or benign to our knowledge

Ambry Genetics
Classification: Uncertain significance for Cardiovascular phenotype. Last evaluated: 2023-02-23. Review status: criteria provided, single submitter. Criteria: Ambry Variant Classification Scheme 2023. Collection method: clinical testing. Allele origin: germline.
Comment: The p.E190D variant (also known as c.570G>T), located in coding exon 4 of the SCN1B gene, results from a G to T substitution at nucleotide position 570. The glutamic acid at codon 190 is replaced by aspartic acid, an amino acid with highly similar properties. This amino acid position is conserved. In addition, the in silico prediction for this alteration is inconclusive. Since supporting evidence is limited at this time, the clinical significance of this alteration remains unclear.

NM_001037.5(SCN1B):c.570G>T (p.Glu190Asp)

Gene: SCN1B (sodium voltage-gated channel beta subunit 1; plus strand). Cytogenetic location: 19q13.11.
Variant type: single nucleotide variant.
Coding change: c.570G>T on transcript NM_001037.5 (MANE Select); coding-DNA position 570, G replaced by T.
Protein change: p.Glu190Asp; replaces glutamic acid 190 with aspartic acid.
Molecular consequence: missense variant.
Genome position (GRCh38, 1-based): chr19:35,039,238, G>T. VCF-style: chr19-35039238-G-T. GRCh37 (hg19) VCF-style: chr19-35530142-G-T.
Other names: c.471G>T, p.Glu157Asp (NM_001321605.2); short protein forms E157D, E190D.
Identifiers: ClinVar variation 1214484 (VCV001214484.7), dbSNP rs1422403439, ClinGen allele CA405330154.